The following is an entry in ClinVar:

ClinVar aggregate classification (germline): Uncertain significance (1 of 4 stars; one submission).

Conditions:
Perlman syndrome (PRLMNS). Identifiers: Orphanet 2849, MedGen C0796113, MONDO:0009965, OMIM 267000.

Submission:

Labcorp Genetics (formerly Invitae), Labcorp
Classification: Uncertain significance for Perlman syndrome. Last evaluated: 2021-12-25. Review status: criteria provided, single submitter. Criteria: Invitae Variant Classification Sherloc (09022015). Collection method: clinical testing. Allele origin: germline.
Comment: This variant has not been reported in the literature in individuals affected with DIS3L2-related conditions. In summary, the available evidence is currently insufficient to determine the role of this variant in disease. Therefore, it has been classified as a Variant of Uncertain Significance. Algorithms developed to predict the effect of missense changes on protein structure and function are either unavailable or do not agree on the potential impact of this missense change (SIFT: "Tolerated"; PolyPhen-2: "Probably Damaging"; Align-GVGD: "Class C0"). This variant is not present in population databases (gnomAD no frequency). This sequence change replaces phenylalanine, which is neutral and non-polar, with serine, which is neutral and polar, at codon 95 of the DIS3L2 protein (p.Phe95Ser).

NM_152383.5(DIS3L2):c.284T>C (p.Phe95Ser)

Gene: DIS3L2 (DIS3 like 3'-5' exoribonuclease 2; plus strand). Cytogenetic location: 2q37.1.
Variant type: single nucleotide variant.
Coding change: c.284T>C on transcript NM_152383.5 (MANE Select); coding-DNA position 284, T replaced by C.
Protein change: p.Phe95Ser; replaces phenylalanine 95 with serine.
Molecular consequence: missense variant. On other transcripts: non-coding transcript variant (2).
Genome position (GRCh38, 1-based): chr2:232,029,998, T>C. VCF-style: chr2-232029998-T-C. GRCh37 (hg19) VCF-style: chr2-232894708-T-C.
Other names: c.284T>C, p.Phe95Ser (NM_001257281.2, NM_001257282.2); short protein forms F95S.
Identifiers: ClinVar variation 2059421 (VCV002059421.4), dbSNP rs1694760188, ClinGen allele CA351152882.